The following is an entry in ClinVar:

ClinVar aggregate classification (germline): Likely pathogenic. Review status: criteria provided, multiple submitters, no conflicts (2 of 4 stars). 2 submissions from 2 submitters: Likely pathogenic (2). Last evaluated 2023-11-03.

Conditions:
X-linked Alport syndrome (ATS1). Also called: NEPHROPATHY AND DEAFNESS, X-LINKED; COL4A5-Related Nephropathy. Identifiers: Orphanet 63, Orphanet 88917, MedGen C4746986, MONDO:0010520, OMIM 301050.

Submissions (2):

MVZ Medizinische Genetik Mainz
Classification: Likely pathogenic for X-linked Alport syndrome. Last evaluated: 2023-11-03. Review status: criteria provided, single submitter. Criteria: UK Practice Guidelines For Variant Classification V4 01 2020. Collection method: clinical testing. Allele origin: germline. Inheritance: X-linked dominant inheritance. Affected: yes. Observed: 1 variant allele.
Comment: ACMG Criteria: PM1_STR,PM2_SUP,PM5_SUP,PP3

Juno Genomics, Hangzhou Juno Genomics, Inc
Classification: Likely pathogenic for X-linked Alport syndrome. Review status: criteria provided, single submitter. Criteria: ACMG Guidelines, 2015. Collection method: clinical testing. Allele origin: germline. Affected: yes.
Comment: Absent from controls (or at extremely low frequency if recessive) in Genome Aggregation Database.;Multiple lines of computational evidence support a deleterious effect on the gene or gene product.;Patient's phenotype or family history is highly specific for a disease with a single genetic etiology.

NM_033380.3(COL4A5):c.3329G>A (p.Gly1110Glu)

Gene: COL4A5 (collagen type IV alpha 5 chain; plus strand). Cytogenetic location: Xq22.3.
Variant type: single nucleotide variant.
Coding change: c.3329G>A on transcript NM_033380.3 (MANE Select); coding-DNA position 3329, G replaced by A.
Protein change: p.Gly1110Glu; replaces glycine 1110 with glutamic acid.
Molecular consequence: missense variant.
Genome position (GRCh38, 1-based): chrX:108,655,413, G>A. VCF-style: chrX-108655413-G-A. GRCh37 (hg19) VCF-style: chrX-107898643-G-A.
Other names: c.3329G>A, p.Gly1110Glu (NM_000495.5); short protein forms G1110E.
Identifiers: ClinVar variation 3236230 (VCV003236230.2), dbSNP rs2524531676, ClinGen allele CA413857495.